The following is an entry in ClinVar:

NM_001903.5(CTNNA1):c.1747+7G>A

Gene: CTNNA1 (catenin alpha 1; plus strand). Cytogenetic location: 5q31.2.
Variant type: single nucleotide variant.
Coding change: c.1747+7G>A on transcript NM_001903.5 (MANE Select); 7 bases into the intron after coding-DNA position 1747, G replaced by A.
Molecular consequence: intron variant.
Genome position (GRCh38, 1-based): chr5:138,924,717, G>A. VCF-style: chr5-138924717-G-A. GRCh37 (hg19) VCF-style: chr5-138260406-G-A.
Other names: c.1747+7G>A (NM_001323982.2, NM_001323984.2, NM_001290307.3 and 2 more transcripts); c.1654+7G>A (NM_001323986.2); c.1378+7G>A (NM_001290310.3); c.1438+7G>A (NM_001290309.3); c.637+7G>A (NM_001323996.1, NM_001323993.1, NM_001324005.1 and 17 more transcripts); c.298+7G>A (NM_001324007.1, NM_001324009.1, NM_001324006.1 and 2 more transcripts); c.394+7G>A (NM_001324013.1, NM_001324012.1); c.544+7G>A (NM_001324011.1).
Identifiers: ClinVar variation 1137296 (VCV001137296.10), dbSNP rs2150290208, ClinGen allele CA2499217663.

ClinVar aggregate classification (germline): Likely benign. Review status: criteria provided, multiple submitters, no conflicts (2 of 4 stars). 2 submissions from 2 submitters: Likely benign (2). Last evaluated 2025-11-05.

Conditions:
Hereditary diffuse gastric adenocarcinoma (HDGC). Also called: DIFFUSE GASTRIC AND LOBULAR BREAST CANCER SYNDROME. Identifiers: Orphanet 26106, MedGen C1708349, MONDO:0007648, OMIM 137215.

Submissions (2):

Labcorp Genetics (formerly Invitae), Labcorp
Classification: Likely benign. Last evaluated: 2025-11-05. Review status: criteria provided, single submitter. Criteria: Invitae Variant Classification Sherloc (09022015). Collection method: clinical testing. Allele origin: germline.

Myriad Genetics, Inc.
Classification: Likely benign for Hereditary diffuse gastric adenocarcinoma. Last evaluated: 2024-10-14. Review status: criteria provided, single submitter. Criteria: Myriad Autosomal Dominant, Autosomal Recessive and X-Linked Classification Criteria (2023). Collection method: clinical testing. Allele origin: unknown.
Comment: This variant is considered likely benign. This variant is intronic and is not expected to impact mRNA splicing.